The following is an entry in ClinVar:

NM_001844.5(COL2A1):c.4358G>A (p.Arg1453Gln)

Gene: COL2A1 (collagen type II alpha 1 chain; minus strand). Cytogenetic location: 12q13.11.
Variant type: single nucleotide variant.
Coding change: c.4358G>A on transcript NM_001844.5 (MANE Select); coding-DNA position 4358, G replaced by A.
Protein change: p.Arg1453Gln; replaces arginine 1453 with glutamine.
Molecular consequence: missense variant.
Genome position (GRCh38, 1-based): chr12:47,973,513, C>T on the plus strand (G>A on the coding strand, the complement: COL2A1 is on the minus strand). VCF-style: chr12-47973513-C-T. GRCh37 (hg19) VCF-style: chr12-48367296-C-T.
Other names: c.4151G>A, p.Arg1384Gln (NM_033150.3); c.4358G>A (NM_001844.4); short protein forms R1384Q, R1453Q.
Identifiers: ClinVar variation 1351729 (VCV001351729.11), dbSNP rs770494878, ClinGen allele CA6534470.

ClinVar aggregate classification (germline): Conflicting classifications of pathogenicity. Review status: criteria provided, conflicting classifications (1 of 4 stars). 4 submissions from 4 submitters: Uncertain significance (3); Likely benign (1). Last evaluated 2026-02-26.

Conditions:
Inborn genetic diseases. Identifiers: MedGen C0950123, MeSH D030342.

Allele frequency attached by ClinVar (database versions not stated): TOPMed 0.00001; ExAC 0.00002; gnomAD exomes 0.00002.
gnomAD v4.1: 29 of 1,614,096 alleles (0.0018%); highest among the groups gnomAD compares: Non-Finnish European, 0.0023%; no homozygotes.

Submissions (4):

GeneDx
Classification: Uncertain significance. Last evaluated: 2026-02-26. Review status: criteria provided, single submitter. Criteria: GeneDx Variant Classification Process June 2021. Collection method: clinical testing. Allele origin: germline.
Comment: In silico analysis suggests that this missense variant does not alter protein structure/function; Has not been previously published as pathogenic or benign to our knowledge

Labcorp Genetics (formerly Invitae), Labcorp
Classification: Likely benign. Last evaluated: 2025-12-24. Review status: criteria provided, single submitter. Criteria: Invitae Variant Classification Sherloc (09022015). Collection method: clinical testing. Allele origin: germline.

Ambry Genetics
Classification: Uncertain significance for Inborn genetic diseases. Last evaluated: 2024-03-31. Review status: criteria provided, single submitter. Criteria: Ambry Variant Classification Scheme 2023. Collection method: clinical testing. Allele origin: germline.

Blueprint Genetics
Classification: Uncertain significance. Last evaluated: 2023-05-26. Review status: criteria provided, single submitter. Criteria: ACMG Guidelines, 2015. Collection method: clinical testing. Allele origin: germline.